The following is an entry in ClinVar:

NM_001003694.2(BRPF1):c.599+10C>T

Gene: BRPF1 (bromodomain and PHD finger containing 1; plus strand). Cytogenetic location: 3p25.3.
Variant type: single nucleotide variant.
Coding change: c.599+10C>T on transcript NM_001003694.2 (MANE Select); 10 bases into the intron after coding-DNA position 599, C replaced by T.
Molecular consequence: intron variant.
Genome position (GRCh38, 1-based): chr3:9,734,749, C>T. VCF-style: chr3-9734749-C-T. GRCh37 (hg19) VCF-style: chr3-9776433-C-T.
Other names: c.599+10C>T (NM_001438344.1, NM_001410704.1, NM_001438345.1 and 7 more transcripts).
Identifiers: ClinVar variation 4988210 (VCV004988210.1).

ClinVar aggregate classification (germline): Likely benign (1 of 4 stars; one submission).

Conditions:
BRPF1-related disorder. Also called: BRPF1-related condition.

gnomAD v4.1: 8 of 1,613,002 alleles (0.0005%); highest among the groups gnomAD compares: East Asian, 0.0045%; no homozygotes.

Submission:

PreventionGenetics, part of Exact Sciences
Classification: Likely benign for BRPF1-related condition. Last evaluated: 2026-07-23. Review status: criteria provided, single submitter. Criteria: ACMG Guidelines, 2015. Collection method: clinical testing. Allele origin: germline.
Comment: This variant is classified as likely benign based on ACMG/AMP sequence variant interpretation guidelines (Richards et al. 2015 PMID: 25741868, with internal and published modifications).